The following is an entry in ClinVar:

ClinVar aggregate classification (germline): Benign. Review status: criteria provided, multiple submitters, no conflicts (2 of 4 stars). 4 submissions from 4 submitters: Benign (4). Last evaluated 2026-01-28.

Conditions:
Methylcobalamin deficiency type cblG (HMAG). Also called: HOMOCYSTINURIA-MEGALOBLASTIC ANEMIA, cblG TYPE; HOMOCYSTINURIA-MEGALOBLASTIC ANEMIA DUE TO DEFECT IN COBALAMIN METABOLISM, cblG COMPLEMENTATION TYPE; HOMOCYSTINURIA-MEGALOBLASTIC ANEMIA, cblG COMPLEMENTATION TYPE; Functional methionine synthase deficiency type cblG. Identifiers: Orphanet 2170, Orphanet 622, MedGen C1855128, MONDO:0009609, OMIM 250940.
Disorders of Intracellular Cobalamin Metabolism. Identifiers: MedGen CN043592.

Allele frequency attached by ClinVar (database versions not stated): ExAC 0.00700; gnomAD 0.01557 and 0.01657; TOPMed 0.01759; ESP Exome Variant Server 0.01761; 1000 Genomes Project 0.01877; 1000 Genomes Project 30x 0.02014.
gnomAD v4.1: 5,156 of 1,602,458 alleles (0.32%); highest among the groups gnomAD compares: African/African-American, 5.3%; 114 homozygotes.

Submissions (4):

Labcorp Genetics (formerly Invitae), Labcorp
Classification: Benign for Methylcobalamin deficiency type cblG. Last evaluated: 2026-01-28. Review status: criteria provided, single submitter. Criteria: Invitae Variant Classification Sherloc (09022015). Collection method: clinical testing. Allele origin: germline.

Illumina Laboratory Services, Illumina
Classification: Benign for Disorders of Intracellular Cobalamin Metabolism. Last evaluated: 2018-01-13. Review status: criteria provided, single submitter. Criteria: ICSL Variant Classification Criteria 13 December 2019. Collection method: clinical testing. Allele origin: germline.
Comment: This variant was observed in the ICSL laboratory as part of a predisposition screen in an ostensibly healthy population. It had not been previously curated by ICSL or reported in the Human Gene Mutation Database (HGMD: prior to June 1st, 2018), and was therefore a candidate for classification through an automated scoring system. Utilizing variant allele frequency, disease prevalence and penetrance estimates, and inheritance mode, an automated score was calculated to assess if this variant is too frequent to cause the disease. Based on the score and internal cut-off values, a variant classified as benign is not then subjected to further curation. The score for this variant resulted in a classification of benign for this disease.

GeneDx
Classification: Benign. Last evaluated: 2015-12-03. Review status: criteria provided, single submitter. Criteria: GeneDx Variant Classification (06012015). Collection method: clinical testing. Allele origin: germline. Affected: yes.
Comment: This variant is considered likely benign or benign based on one or more of the following criteria: it is a conservative change, it occurs at a poorly conserved position in the protein, it is predicted to be benign by multiple in silico algorithms, and/or has population frequency not consistent with disease.

Breakthrough Genomics
Classification: Benign. Review status: criteria provided, single submitter. Criteria: ACMG Guidelines, 2015. Collection method: not provided. Allele origin: germline. Inheritance: Autosomal recessive inheritance. Affected: yes.

NM_000254.3(MTR):c.3491G>A (p.Arg1164His)

Gene: MTR (5-methyltetrahydrofolate-homocysteine methyltransferase; plus strand). Cytogenetic location: 1q43.
Variant type: single nucleotide variant.
Coding change: c.3491G>A on transcript NM_000254.3 (MANE Select); coding-DNA position 3491, G replaced by A.
Protein change: p.Arg1164His; replaces arginine 1164 with histidine.
Molecular consequence: missense variant.
Genome position (GRCh38, 1-based): chr1:236,895,443, G>A. VCF-style: chr1-236895443-G-A. GRCh37 (hg19) VCF-style: chr1-237058743-G-A.
Other names: c.3338G>A, p.Arg1113His (NM_001291939.1); c.2270G>A, p.Arg757His (NM_001291940.2); short protein forms R1164H, R1113H, R757H.
Identifiers: ClinVar variation 296578 (VCV000296578.16), dbSNP rs61736326, ClinGen allele CA1474714.